The following is an entry in ClinVar:

ClinVar aggregate classification (germline): Pathogenic (1 of 4 stars; one submission).

Conditions:
Breast-ovarian cancer, familial, susceptibility to, 4. Identifiers: Orphanet 145, MedGen C3280345, MONDO:0013669, OMIM 614291.

Submission:

Labcorp Genetics (formerly Invitae), Labcorp
Classification: Pathogenic for Breast-ovarian cancer, familial, susceptibility to, 4. Last evaluated: 2025-01-08. Review status: criteria provided, single submitter. Criteria: Invitae Variant Classification Sherloc (09022015). Collection method: clinical testing. Allele origin: germline.
Comment: This sequence change creates a premature translational stop signal (p.Gly265*) in the RAD51D gene. It is expected to result in an absent or disrupted protein product. Loss-of-function variants in RAD51D are known to be pathogenic (PMID: 21822267). This variant is not present in population databases (gnomAD no frequency). This premature translational stop signal has been observed in individual(s) with breast cancer (PMID: 32029870). For these reasons, this variant has been classified as Pathogenic.

Literature cited by the submitters: PubMed 21822267; PubMed 32029870.

NM_002878.4(RAD51D):c.793G>T (p.Gly265Ter)

Genes: RAD51D (RAD51 paralog D; minus strand), RAD51L3-RFFL (RAD51L3-RFFL readthrough; minus strand). Cytogenetic location: 17q12.
Variant type: single nucleotide variant.
Coding change: c.793G>T on transcript NM_002878.4 (MANE Select); coding-DNA position 793, G replaced by T.
Protein change: p.Gly265Ter; replaces glycine 265 with a stop codon.
Molecular consequence: nonsense. On other transcripts: non-coding transcript variant (3).
Genome position (GRCh38, 1-based): chr17:35,101,311, C>A on the plus strand (G>T on the coding strand, the complement: RAD51D is on the minus strand). VCF-style: chr17-35101311-C-A. GRCh37 (hg19) VCF-style: chr17-33428330-C-A.
Other names: c.853G>T, p.Gly285Ter (NM_001142571.2); c.457G>T, p.Gly153Ter (NM_133629.3); short protein forms G153*, G265*, G285*.
Identifiers: ClinVar variation 3613710 (VCV003613710.2).